The following is an entry in ClinVar:

NC_000001.10:g.(?_241665733)_(241667555_?)del

Gene: FH (fumarate hydratase; minus strand). Cytogenetic location: 1q43.
Variant type: Deletion.
Identifiers: ClinVar variation 1456284 (VCV001456284.42).

ClinVar aggregate classification (germline): Pathogenic (1 of 4 stars; one submission).

Submission:

Labcorp Genetics (formerly Invitae), Labcorp
Classification: Pathogenic. Last evaluated: 2021-05-24. Review status: criteria provided, single submitter. Criteria: Invitae Variant Classification Sherloc (09022015). Collection method: clinical testing. Allele origin: germline.
Comment: For these reasons, this variant has been classified as Pathogenic. This variant has not been reported in the literature in individuals with FH-related conditions. This variant is a gross deletion of the genomic region encompassing exon(s) 7-8 of the FH gene. This deletion is out-of-frame, and is expected to create a premature translational stop signal and result in an absent or disrupted protein product. Loss-of-function variants in FH are known to be pathogenic (PMID: 11865300, 21398687).

Literature cited by the submitters: PubMed 11865300; PubMed 21398687.